The following is an entry in ClinVar:

ClinVar aggregate classification (germline): Conflicting classifications of pathogenicity. Review status: criteria provided, conflicting classifications (1 of 4 stars). 8 submissions from 8 submitters: Uncertain significance (4); Likely benign (3). 1 of the submissions does not count toward it. Last evaluated 2026-01-12.

Conditions:
Cohen syndrome (COH1). Also called: Cutis verticis gyrata, retinitis pigmentosa, and sensorineural deafness; PEPPER SYNDROME. Identifiers: Orphanet 193, MedGen C0265223, MONDO:0008999, OMIM 216550.

Allele frequency attached by ClinVar (database versions not stated): gnomAD 0.00014 and 0.00016; 1000 Genomes Project 30x 0.00016; 1000 Genomes Project 0.00020; ESP Exome Variant Server 0.00023; TOPMed 0.00027.
gnomAD v4.1: 293 of 1,612,860 alleles (0.018%); highest among the groups gnomAD compares: Middle Eastern, 0.05%; 1 homozygote.

Submissions (8):

Labcorp Genetics (formerly Invitae), Labcorp
Classification: Likely benign for Cohen syndrome. Last evaluated: 2026-01-12. Review status: criteria provided, single submitter. Criteria: Invitae Variant Classification Sherloc (09022015). Collection method: clinical testing. Allele origin: germline.

CeGaT Center for Human Genetics Tuebingen
Classification: Likely benign. Last evaluated: 2025-02-01. Review status: criteria provided, single submitter. Criteria: CeGaT Center For Human Genetics Tuebingen Variant Classification Criteria Version 2. Collection method: clinical testing. Allele origin: germline. Affected: yes. Observed: 3 variant alleles.
Comment: VPS13B: BP4

Blueprint Genetics
Classification: Likely benign. Last evaluated: 2024-11-06. Review status: criteria provided, single submitter. Criteria: ACMG Guidelines, 2015. Collection method: clinical testing. Allele origin: germline.

GeneDx
Classification: Uncertain significance. Last evaluated: 2024-05-28. Review status: criteria provided, single submitter. Criteria: GeneDx Variant Classification Process June 2021. Collection method: clinical testing. Allele origin: germline. Affected: yes.
Comment: Has not been previously published as pathogenic or benign to our knowledge; In silico analysis is inconclusive as to whether the variant alters gene splicing. In the absence of RNA/functional studies, the actual effect of this sequence change is unknown.

New York Genome Center
Classification: Uncertain significance for Cohen syndrome. Last evaluated: 2022-04-11. Review status: criteria provided, single submitter. Criteria: NYGC Assertion Criteria 2020. Collection method: clinical testing. Allele origin: germline. Observed: 1 variant allele.

Center for Genomics, Ann and Robert H. Lurie Children's Hospital of Chicago
Classification: Uncertain significance for Cohen syndrome. Last evaluated: 2021-03-30. Review status: criteria provided, single submitter. Criteria: ACMG Guidelines, 2015. Collection method: clinical testing. Allele origin: germline.
Comment: VPS13B NM_017890.4 exon 22 c.3083-8G>A: This variant has not been reported in the literature but is present in 26/126514 European alleles in the Genome Aggregation Database. Evolutionary conservation and computational predictive tools for this variant are limited or unavailable. This variant is an intronic variant; splice prediction tools suggest that this variant may not affect splicing. However, further studies are needed to understand its impact. In summary, data on this variant is insufficient for disease classification. Therefore, the clinical significance of this variant is uncertain.

Illumina Laboratory Services, Illumina
Classification: Uncertain significance for Cohen syndrome. Last evaluated: 2018-01-13. Review status: criteria provided, single submitter. Criteria: ICSL Variant Classification Criteria 13 December 2019. Collection method: clinical testing. Allele origin: germline.

Natera, Inc.
Classification: Likely benign for Cohen syndrome. Last evaluated: 2020-06-05. Review status: no assertion criteria provided. Collection method: clinical testing. Allele origin: germline. Not counted in ClinVar's aggregate classification.

NM_152564.5(VPS13B):c.3083-8G>A

Gene: VPS13B (vacuolar protein sorting 13 homolog B; plus strand). Cytogenetic location: 8q22.2.
Variant type: single nucleotide variant.
Coding change: c.3083-8G>A on transcript NM_152564.5 (MANE Select); 8 bases into the intron before coding-DNA position 3083, G replaced by A.
Molecular consequence: intron variant.
Genome position (GRCh38, 1-based): chr8:99,431,529, G>A. VCF-style: chr8-99431529-G-A. GRCh37 (hg19) VCF-style: chr8-100443757-G-A.
Other names: c.3083-8G>A (NM_017890.5, NM_152564.4).
Identifiers: ClinVar variation 626205 (VCV000626205.45), dbSNP rs201973611, ClinGen allele CA4823168.